The following is an entry in ClinVar:

ClinVar aggregate classification (germline): Benign/Likely benign. Review status: criteria provided, multiple submitters, no conflicts (2 of 4 stars). 4 submissions from 4 submitters: Benign (2); Likely benign (2). Last evaluated 2026-03-01.

Conditions:
Immunodeficiency, common variable, 4. Also called: ANTIBODY DEFICIENCY DUE TO BAFFR DEFECT. Identifiers: Orphanet 1572, Orphanet 696925, MedGen C3150739, MONDO:0013284, OMIM 613494.

Allele frequency attached by ClinVar (database versions not stated): TOPMed 0.00642; gnomAD 0.00697 and 0.00721; ExAC 0.00700; gnomAD exomes 0.00864; 1000 Genomes Project 0.00200; 1000 Genomes Project 30x 0.00219.
gnomAD v4.1: 15,401 of 1,489,096 alleles (1%); highest among the groups gnomAD compares: Middle Eastern, 2%; 125 homozygotes.

Submissions (5):

CeGaT Center for Human Genetics Tuebingen
Classification: Benign. Last evaluated: 2026-03-01. Review status: criteria provided, single submitter. Criteria: CeGaT Center For Human Genetics Tuebingen Variant Classification Criteria Version 2. Collection method: clinical testing. Allele origin: germline. Affected: yes. Observed: 13 variant alleles.
Comment: TNFRSF13C: BP4, BP7, BS1, BS2

Labcorp Genetics (formerly Invitae), Labcorp
Classification: Benign for Common variable immunodeficiency 4. Last evaluated: 2019-12-31. Review status: criteria provided, single submitter. Criteria: Invitae Variant Classification Sherloc (09022015). Collection method: clinical testing. Allele origin: germline.

Illumina Laboratory Services, Illumina
Classification: Likely benign for Immunodeficiency, common variable, 4. Last evaluated: 2018-01-13. Review status: criteria provided, single submitter. Criteria: ICSL Variant Classification Criteria 13 December 2019. Collection method: clinical testing. Allele origin: germline.
Comment: This variant was observed in the ICSL laboratory as part of a predisposition screen in an ostensibly healthy population. It had not been previously curated by ICSL or reported in the Human Gene Mutation Database (HGMD: prior to June 1st, 2018), and was therefore a candidate for classification through an automated scoring system. Utilizing variant allele frequency, disease prevalence and penetrance estimates, and inheritance mode, an automated score was calculated to assess if this variant is too frequent to cause the disease. Based on the score and internal cut-off values, a variant classified as likely benign is not then subjected to further curation. The score for this variant resulted in a classification of likely benign for this disease.

Breakthrough Genomics
Classification: Likely benign. Review status: criteria provided, single submitter. Criteria: ACMG Guidelines, 2015. Collection method: not provided. Allele origin: germline. Inheritance: Autosomal recessive inheritance. Affected: yes.

Dr. Peter K. Rogan Lab, Western University
No classification provided (evidence only). Condition: Sarcoma. Review status: no classification provided. Collection method: in vitro. Allele origin: not applicable. Functional consequence: retained intron. Not counted in ClinVar's aggregate classification.

NM_052945.4(TNFRSF13C):c.192C>T (p.Gly64=)

Genes: TNFRSF13C (TNF receptor superfamily member 13C; minus strand), LOC130067574 (ATAC-STARR-seq lymphoblastoid silent region 13813; plus strand). Cytogenetic location: 22q13.2.
Variant type: single nucleotide variant.
Coding change: c.192C>T on transcript NM_052945.4 (MANE Select); coding-DNA position 192, C replaced by T.
Protein change: p.Gly64=; no amino-acid change (glycine 64 retained).
Molecular consequence: synonymous variant.
Genome position (GRCh38, 1-based): chr22:41,926,276, G>A on the plus strand (C>T on the coding strand, the complement: TNFRSF13C is on the minus strand). VCF-style: chr22-41926276-G-A. GRCh37 (hg19) VCF-style: chr22-42322280-G-A.
Other names: NC_000022.10:g.42322280G>A.
Identifiers: ClinVar variation 341881 (VCV000341881.34), dbSNP rs529563231, ClinGen allele CA10262513.
Genomic context (GRCh38, chr22:41,926,276, plus strand): 5'-CAGCGCGGGGGCGCCAAAGAGCAGCCCGGGCAGGGGCAGCGCCGCCTCGCCGGCCCCCGC[G>A]CCCACCGACTCCTGCGGCTGCAGCGCCGTCCTGGGCGCAGGGCTGCTGGCCCCGGCTGCT-3'
Protein context (NP_443177.1, residues 54-74): RTALQPQESV[Gly64=]AGAGEAALPL